The following is an entry in ClinVar:

ClinVar aggregate classification (germline): Uncertain significance (1 of 4 stars; one submission).

Conditions:
Kabuki syndrome. Also called: NIIKAWA-KUROKI SYNDROME; Kabuki make-up syndrome. Identifiers: Orphanet 2322, MedGen C0796004, MONDO:0016512.

Allele frequency attached by ClinVar (database versions not stated): gnomAD 0.00001; gnomAD exomes below 0.00001; TOPMed 0.00001.
gnomAD v4.1: 2 of 1,535,852 alleles (0.00013%); highest among the groups gnomAD compares: African/African-American, 0.0028%; no homozygotes.

Submission:

Labcorp Genetics (formerly Invitae), Labcorp
Classification: Uncertain significance for Kabuki syndrome. Last evaluated: 2025-07-06. Review status: criteria provided, single submitter. Criteria: Invitae Variant Classification Sherloc (09022015). Collection method: clinical testing. Allele origin: germline.
Comment: This sequence change replaces leucine, which is neutral and non-polar, with phenylalanine, which is neutral and non-polar, at codon 925 of the KMT2D protein (p.Leu925Phe). This variant is not present in population databases (gnomAD no frequency). This variant has not been reported in the literature in individuals affected with KMT2D-related conditions. ClinVar contains an entry for this variant (Variation ID: 2802061). Invitae Evidence Modeling of protein sequence and biophysical properties (such as structural, functional, and spatial information, amino acid conservation, physicochemical variation, residue mobility, and thermodynamic stability) indicates that this missense variant is not expected to disrupt KMT2D protein function with a negative predictive value of 95%. In summary, the available evidence is currently insufficient to determine the role of this variant in disease. Therefore, it has been classified as a Variant of Uncertain Significance.

NM_003482.4(KMT2D):c.2775G>T (p.Leu925Phe)

Gene: KMT2D (lysine methyltransferase 2D; minus strand). Cytogenetic location: 12q13.12.
Variant type: single nucleotide variant.
Coding change: c.2775G>T on transcript NM_003482.4 (MANE Select); coding-DNA position 2775, G replaced by T.
Protein change: p.Leu925Phe; replaces leucine 925 with phenylalanine.
Molecular consequence: missense variant.
Genome position (GRCh38, 1-based): chr12:49,050,908, C>A on the plus strand (G>T on the coding strand, the complement: KMT2D is on the minus strand). VCF-style: chr12-49050908-C-A. GRCh37 (hg19) VCF-style: chr12-49444691-C-A.
Other names: short protein forms L925F.
Identifiers: ClinVar variation 2802061 (VCV002802061.3), dbSNP rs1278653206, ClinGen allele CA384664065.